The following continues an entry in ClinVar:

NM_020745.4(AARS2):c.1753-14C>G

Gene: AARS2. ClinVar aggregate classification (germline): Benign. Benign (4).

Submissions 31 to 42 of 42:

Dr. Peter K. Rogan Lab, Western University
No classification provided (evidence only). Condition: Familial pancreatic carcinoma. Review status: no classification provided. Collection method: in vitro. Allele origin: not applicable. Functional consequence: retained intron. Not counted in ClinVar's aggregate classification.

Dr. Peter K. Rogan Lab, Western University
No classification provided (evidence only). Condition: Familial pancreatic carcinoma. Review status: no classification provided. Collection method: in vitro. Allele origin: not applicable. Functional consequence: retained intron. Not counted in ClinVar's aggregate classification.

Dr. Peter K. Rogan Lab, Western University
No classification provided (evidence only). Condition: Familial pancreatic carcinoma. Review status: no classification provided. Collection method: in vitro. Allele origin: not applicable. Functional consequence: retained intron. Not counted in ClinVar's aggregate classification.

Dr. Peter K. Rogan Lab, Western University
No classification provided (evidence only). Condition: Familial pancreatic carcinoma. Review status: no classification provided. Collection method: in vitro. Allele origin: not applicable. Functional consequence: retained intron. Not counted in ClinVar's aggregate classification.

Dr. Peter K. Rogan Lab, Western University
No classification provided (evidence only). Condition: Hepatocellular carcinoma. Review status: no classification provided. Collection method: in vitro. Allele origin: not applicable. Functional consequence: retained intron. Not counted in ClinVar's aggregate classification.

Dr. Peter K. Rogan Lab, Western University
No classification provided (evidence only). Condition: Hepatocellular carcinoma. Review status: no classification provided. Collection method: in vitro. Allele origin: not applicable. Functional consequence: retained intron. Not counted in ClinVar's aggregate classification.

Dr. Peter K. Rogan Lab, Western University
No classification provided (evidence only). Condition: Hepatocellular carcinoma. Review status: no classification provided. Collection method: in vitro. Allele origin: not applicable. Functional consequence: retained intron. Not counted in ClinVar's aggregate classification.

Dr. Peter K. Rogan Lab, Western University
No classification provided (evidence only). Condition: Hepatocellular carcinoma. Review status: no classification provided. Collection method: in vitro. Allele origin: not applicable. Functional consequence: retained intron. Not counted in ClinVar's aggregate classification.

Dr. Peter K. Rogan Lab, Western University
No classification provided (evidence only). Condition: Lymphoma. Review status: no classification provided. Collection method: in vitro. Allele origin: not applicable. Functional consequence: retained intron. Not counted in ClinVar's aggregate classification.

Dr. Peter K. Rogan Lab, Western University
No classification provided (evidence only). Condition: Lymphoma. Review status: no classification provided. Collection method: in vitro. Allele origin: not applicable. Functional consequence: retained intron. Not counted in ClinVar's aggregate classification.

Dr. Peter K. Rogan Lab, Western University
No classification provided (evidence only). Condition: Ovarian cancer. Review status: no classification provided. Collection method: in vitro. Allele origin: not applicable. Functional consequence: retained intron. Not counted in ClinVar's aggregate classification.

Dr. Peter K. Rogan Lab, Western University
No classification provided (evidence only). Condition: Ovarian cancer. Review status: no classification provided. Collection method: in vitro. Allele origin: not applicable. Functional consequence: retained intron. Not counted in ClinVar's aggregate classification.